The following is an entry in ClinVar:

NM_001401501.2(MUC16):c.44530C>T (p.Leu14844Phe)

Gene: MUC16 (mucin 16, cell surface associated; minus strand). Cytogenetic location: 19p13.2.
Variant type: single nucleotide variant.
Coding change: c.44530C>T on transcript NM_001401501.2 (MANE Select); coding-DNA position 44530, C replaced by T.
Protein change: p.Leu14844Phe; replaces leucine 14844 with phenylalanine.
Molecular consequence: missense variant.
Genome position (GRCh38, 1-based): chr19:8,871,595, G>A on the plus strand (C>T on the coding strand, the complement: MUC16 is on the minus strand). VCF-style: chr19-8871595-G-A. GRCh37 (hg19) VCF-style: chr19-8982271-G-A.
Other names: c.44956C>T, p.Leu14986Phe (NM_001414686.1); c.44410C>T, p.Leu14804Phe (NM_001414687.1); c.42004C>T, p.Leu14002Phe (NM_024690.2); short protein forms L14002F, L14804F, L14844F, L14986F.
Identifiers: ClinVar variation 3059793 (VCV003059793.2), dbSNP rs3752141, ClinGen allele CA9162550.

ClinVar aggregate classification (germline): Benign (0 of 4 stars; one submission).

Conditions:
MUC16-related disorder. Also called: MUC16-related condition.

Allele frequency attached by ClinVar (database versions not stated): ESP Exome Variant Server 0.00104; gnomAD exomes 0.00775; gnomAD 0.01040; TOPMed 0.01365; ExAC 0.02216; 1000 Genomes Project 30x 0.03873; 1000 Genomes Project 0.03974.

Submission:

PreventionGenetics, part of Exact Sciences
Classification: Benign for MUC16-related condition. Last evaluated: 2020-01-03. Review status: no assertion criteria provided. Collection method: clinical testing. Allele origin: germline.
Comment: This variant is classified as benign based on ACMG/AMP sequence variant interpretation guidelines (Richards et al. 2015 PMID: 25741868, with internal and published modifications).